The following is an entry in ClinVar:

NM_206933.4(USH2A):c.1921T>A (p.Cys641Ser)

Gene: USH2A (usherin; minus strand). Cytogenetic location: 1q41.
Variant type: single nucleotide variant.
Coding change: c.1921T>A on transcript NM_206933.4 (MANE Select); coding-DNA position 1921, T replaced by A.
Protein change: p.Cys641Ser; replaces cysteine 641 with serine.
Molecular consequence: missense variant.
Genome position (GRCh38, 1-based): chr1:216,289,330, A>T on the plus strand (T>A on the coding strand, the complement: USH2A is on the minus strand). VCF-style: chr1-216289330-A-T. GRCh37 (hg19) VCF-style: chr1-216462672-A-T.
Other names: c.1921T>A, p.Cys641Ser (NM_007123.6); short protein forms C641S.
Identifiers: ClinVar variation 3633767 (VCV003633767.2).

ClinVar aggregate classification (germline): Uncertain significance (1 of 4 stars; one submission).

Submission:

Labcorp Genetics (formerly Invitae), Labcorp
Classification: Uncertain significance. Last evaluated: 2024-07-30. Review status: criteria provided, single submitter. Criteria: Invitae Variant Classification Sherloc (09022015). Collection method: clinical testing. Allele origin: germline.
Comment: This sequence change replaces cysteine, which is neutral and slightly polar, with serine, which is neutral and polar, at codon 641 of the USH2A protein (p.Cys641Ser). This variant is not present in population databases (gnomAD no frequency). This variant has not been reported in the literature in individuals affected with USH2A-related conditions. Advanced modeling of protein sequence and biophysical properties (such as structural, functional, and spatial information, amino acid conservation, physicochemical variation, residue mobility, and thermodynamic stability) performed at Invitae indicates that this missense variant is expected to disrupt USH2A protein function with a positive predictive value of 95%. In summary, the available evidence is currently insufficient to determine the role of this variant in disease. Therefore, it has been classified as a Variant of Uncertain Significance.